The following is an entry in ClinVar:

ClinVar aggregate classification (germline): Uncertain significance. Review status: criteria provided, multiple submitters, no conflicts (2 of 4 stars). 2 submissions from 2 submitters: Uncertain significance (2). Last evaluated 2026-09-08.

Conditions:
Fabry disease. Also called: Fabry's disease; ALPHA-GALACTOSIDASE A DEFICIENCY; ANDERSON-FABRY DISEASE; CERAMIDE TRIHEXOSIDASE DEFICIENCY; GLA DEFICIENCY; HEREDITARY DYSTOPIC LIPIDOSIS. Identifiers: Orphanet 324, MedGen C0002986, MONDO:0010526, OMIM 301500, HP:0001071. Disease mechanism: Fabry disease is due to inactivating mutations in the X-linked GLA gene resulting in deficiency of the enzyme Alpha Galactosidase-A., loss of function.

Allele frequency attached by ClinVar (database versions not stated): gnomAD exomes below 0.00001.
gnomAD v4.1: 1 of 1,185,221 alleles (0.000084%); highest among the groups gnomAD compares: South Asian, 0.0018%; no homozygotes.

Submissions (2):

Genomenon, Inc
Classification: Uncertain significance for Fabry disease. Last evaluated: 2026-09-08. Review status: criteria provided, single submitter. Criteria: Genomenon Sequence Variant Interpretation Standards - Updated. Collection method: curation. Allele origin: germline. Affected: no.
Comment: GLA c.802-14A>T is an intronic variant located in the acceptor splice region of intron 5. This variant has been reported in the published literature (PMID:39336803). It is absent or not present at a significant frequency in gnomAD. In silico models predict that this variant is not damaging. In conclusion, we classify GLA c.802-14A>T as a variant of uncertain significance.

All of Us Research Program, National Institutes of Health
Classification: Uncertain significance for Fabry disease. Last evaluated: 2023-10-23. Review status: criteria provided, single submitter. Criteria: ACMG Guidelines, 2015. Collection method: clinical testing. Allele origin: germline. Inheritance: X-linked inheritance. Observed: 1 variant allele, 1 heterozygote.
Comment: This variant causes an A to T nucleotide substitution at the -14 position of intron 5 of the GLA gene. To our knowledge, functional studies have not been reported for this variant. This variant has not been reported in individuals affected with GLA-related disorders in the literature. This variant has not been identified in the general population by the Genome Aggregation Database (gnomAD). The available evidence is insufficient to determine the role of this variant in disease conclusively. Therefore, this variant is classified as a Variant of Uncertain Significance.

This study involves interpretation of variants in research participants for the purpose of population health screening. Participant phenotype was not available at the time of variant classification. Additional details can be found in publication PMID: 35346344, PMCID: PMC8962531

Literature cited by the submitters: PubMed 39336803 (cited by Genomenon, Inc).

NM_000169.3(GLA):c.802-14A>T

Genes: GLA (galactosidase alpha; minus strand), RPL36A-HNRNPH2 (RPL36A-HNRNPH2 readthrough; plus strand). Cytogenetic location: Xq22.1.
Variant type: single nucleotide variant.
Coding change: c.802-14A>T on transcript NM_000169.3 (MANE Select); 14 bases into the intron before coding-DNA position 802, A replaced by T.
Molecular consequence: intron variant.
Genome position (GRCh38, 1-based): chrX:101,398,581, T>A on the plus strand (A>T on the coding strand, the complement: GLA is on the minus strand). VCF-style: chrX-101398581-T-A. GRCh37 (hg19) VCF-style: chrX-100653569-T-A.
Other names: c.300+3124T>A (NM_001199973.2); c.177+6759T>A (NM_001199974.2); c.925-14A>T (NM_001406747.1); c.802-14A>T (NM_001406748.1).
Identifiers: ClinVar variation 3074042 (VCV003074042.3), dbSNP rs1928176378, ClinGen allele CA2694298301.